The following is an entry in ClinVar:

NC_000012.12:g.25251300A>G

Genes: KRAS (KRas proto-oncogene, GTPase; minus strand), LOC130007561 (ATAC-STARR-seq lymphoblastoid silent region 4294; plus strand). Cytogenetic location: 12p12.1.
Variant type: single nucleotide variant.
Genome position: GRCh38 VCF-style: chr12-25251300-A-G. GRCh37 (hg19) VCF-style: chr12-25404234-A-G.
Identifiers: ClinVar variation 2642798 (VCV002642798.24), dbSNP rs774392997, ClinGen allele CA234240384.

ClinVar aggregate classification (germline): Likely benign (1 of 4 stars; one submission).

Allele frequency attached by ClinVar (database versions not stated): 1000 Genomes Project 30x 0.00047.

Submission:

CeGaT Center for Human Genetics Tuebingen
Classification: Likely benign. Last evaluated: 2023-04-01. Review status: criteria provided, single submitter. Criteria: CeGaT Center For Human Genetics Tuebingen Variant Classification Criteria Version 2. Collection method: clinical testing. Allele origin: germline. Affected: yes. Observed: 2 variant alleles.
Comment: KRAS: BS1